The following is an entry in ClinVar:

ClinVar aggregate classification (germline): Uncertain significance. Review status: criteria provided, multiple submitters, no conflicts (2 of 4 stars). 2 submissions from 2 submitters: Uncertain significance (2). Last evaluated 2022-10-08.

Conditions:
Colorectal cancer, hereditary nonpolyposis, type 7. Identifiers: Orphanet 144, MedGen C1858380, MONDO:0013725, OMIM 614385.

Submissions (2):

Labcorp Genetics (formerly Invitae), Labcorp
Classification: Uncertain significance for Colorectal cancer, hereditary nonpolyposis, type 7. Last evaluated: 2022-10-08. Review status: criteria provided, single submitter. Criteria: Invitae Variant Classification Sherloc (09022015). Collection method: clinical testing. Allele origin: germline.
Comment: This variant is not present in population databases (gnomAD no frequency). This variant has not been reported in the literature in individuals affected with MLH3-related conditions. Algorithms developed to predict the effect of missense changes on protein structure and function output the following: SIFT: "Tolerated"; PolyPhen-2: "Benign"; Align-GVGD: "Class C0". The alanine amino acid residue is found in multiple mammalian species, which suggests that this missense change does not adversely affect protein function. In summary, the available evidence is currently insufficient to determine the role of this variant in disease. Therefore, it has been classified as a Variant of Uncertain Significance. This sequence change replaces threonine, which is neutral and polar, with alanine, which is neutral and non-polar, at codon 1258 of the MLH3 protein (p.Thr1258Ala).

Ambry Genetics
Classification: Uncertain significance. Last evaluated: 2022-03-08. Review status: criteria provided, single submitter. Criteria: Ambry Variant Classification Scheme 2023. Collection method: clinical testing. Allele origin: germline.
Comment: The p.T1258A variant (also known as c.3772A>G), located in coding exon 7 of the MLH3 gene, results from an A to G substitution at nucleotide position 3772. The threonine at codon 1258 is replaced by alanine, an amino acid with similar properties. This amino acid position is conserved. In addition, this alteration is predicted to be tolerated by in silico analysis. Since supporting evidence is limited at this time, the clinical significance of this alteration remains unclear.

NM_001040108.2(MLH3):c.3772A>G (p.Thr1258Ala)

Gene: MLH3 (mutL homolog 3; minus strand). Cytogenetic location: 14q24.3.
Variant type: single nucleotide variant.
Coding change: c.3772A>G on transcript NM_001040108.2 (MANE Select); coding-DNA position 3772, A replaced by G.
Protein change: p.Thr1258Ala; replaces threonine 1258 with alanine.
Molecular consequence: missense variant.
Genome position (GRCh38, 1-based): chr14:75,032,123, T>C on the plus strand (A>G on the coding strand, the complement: MLH3 is on the minus strand). VCF-style: chr14-75032123-T-C. GRCh37 (hg19) VCF-style: chr14-75498826-T-C.
Other names: c.3700A>G, p.Thr1234Ala (NM_014381.3); short protein forms T1234A, T1258A.
Identifiers: ClinVar variation 1734771 (VCV001734771.7), dbSNP rs2503132210, ClinGen allele CA390424924.